The following is an entry in ClinVar:

ClinVar aggregate classification (germline): Uncertain significance. Review status: criteria provided, multiple submitters, no conflicts (2 of 4 stars). 2 submissions from 2 submitters: Uncertain significance (2). Last evaluated 2024-08-12.

Conditions:
Cardiomyopathy (CMYO). Also called: Cardiomyopathies. Identifiers: Orphanet 167848, MedGen C0878544, MONDO:0004994, HP:0001638. Inheritance: Various modes of inheritance.
Arrhythmogenic right ventricular dysplasia 10. Also called: Arrhythmogenic Right Ventricular Dysplasia/Cardiomyopathy10; Arrhythmogenic right ventricular dysplasia/cardiomyopathy, type 10; ARRHYTHMOGENIC RIGHT VENTRICULAR DYSPLASIA, FAMILIAL, 10. Identifiers: MedGen C1857777, MONDO:0012434, OMIM 610193.

gnomAD v4.1: 2 of 1,261,082 alleles (0.00016%); highest among the groups gnomAD compares: Non-Finnish European, 0.0002%; no homozygotes.

Submissions (2):

Labcorp Genetics (formerly Invitae), Labcorp
Classification: Uncertain significance for Arrhythmogenic right ventricular dysplasia 10. Last evaluated: 2024-08-12. Review status: criteria provided, single submitter. Criteria: Invitae Variant Classification Sherloc (09022015). Collection method: clinical testing. Allele origin: germline.
Comment: This sequence change replaces serine, which is neutral and polar, with glycine, which is neutral and non-polar, at codon 4 of the DSG2 protein (p.Ser4Gly). This variant is not present in population databases (gnomAD no frequency). This variant has not been reported in the literature in individuals affected with DSG2-related conditions. ClinVar contains an entry for this variant (Variation ID: 924083). Advanced modeling of protein sequence and biophysical properties (such as structural, functional, and spatial information, amino acid conservation, physicochemical variation, residue mobility, and thermodynamic stability) performed at Invitae indicates that this missense variant is not expected to disrupt DSG2 protein function with a negative predictive value of 95%. In summary, the available evidence is currently insufficient to determine the role of this variant in disease. Therefore, it has been classified as a Variant of Uncertain Significance.

Color Diagnostics, LLC DBA Color Health
Classification: Uncertain significance for Cardiomyopathy. Last evaluated: 2020-04-06. Review status: criteria provided, single submitter. Criteria: ACMG Guidelines, 2015. Collection method: clinical testing. Allele origin: germline.
Comment: This missense variant replaces serine with glycine at codon 4 of the DSG2 protein. Computational prediction suggests that this variant may not impact protein structure and function (internally defined REVEL score threshold <= 0.5, PMID: 27666373). To our knowledge, functional studies have not been reported for this variant. This variant has not been reported in individuals affected with cardiovascular disorders in the literature. This variant has not been identified in the general population by the Genome Aggregation Database (gnomAD). The available evidence is insufficient to determine the role of this variant in disease conclusively. Therefore, this variant is classified as a Variant of Uncertain Significance.

NM_001943.5(DSG2):c.10A>G (p.Ser4Gly)

Genes: DSG2 (desmoglein 2; plus strand), LOC130062340 (ATAC-STARR-seq lymphoblastoid silent region 9384; plus strand). Cytogenetic location: 18q12.1.
Variant type: single nucleotide variant.
Coding change: c.10A>G on transcript NM_001943.5 (MANE Select); coding-DNA position 10, A replaced by G.
Protein change: p.Ser4Gly; replaces serine 4 with glycine.
Molecular consequence: missense variant.
Genome position (GRCh38, 1-based): chr18:31,498,261, A>G. VCF-style: chr18-31498261-A-G. GRCh37 (hg19) VCF-style: chr18-29078224-A-G.
Other names: short protein forms S4G.
Identifiers: ClinVar variation 924083 (VCV000924083.8), dbSNP rs1415117974, ClinGen allele CA402127547.